The following is an entry in ClinVar:

NM_003476.5(CSRP3):c.281+1G>C

Gene: CSRP3 (cysteine and glycine rich protein 3; minus strand). Cytogenetic location: 11p15.1.
Variant type: single nucleotide variant.
Coding change: c.281+1G>C on transcript NM_003476.5 (MANE Select); the canonical splice donor site of the intron after coding-DNA position 281, G replaced by C.
Molecular consequence: splice donor variant. On other transcripts: intron variant (1).
Genome position (GRCh38, 1-based): chr11:19,188,135, C>G on the plus strand (G>C on the coding strand, the complement: CSRP3 is on the minus strand). VCF-style: chr11-19188135-C-G. GRCh37 (hg19) VCF-style: chr11-19209682-C-G.
Other names: c.113-1787G>C (NM_001369404.1).
Identifiers: ClinVar variation 4791293 (VCV004791293.1).

ClinVar aggregate classification (germline): Likely pathogenic (1 of 4 stars; one submission).

Conditions:
Dilated cardiomyopathy 1M (CMD1M). Identifiers: Orphanet 154, MedGen C1843808, MONDO:0011840, OMIM 607482.
Hypertrophic cardiomyopathy 12. Identifiers: MedGen C2677491, MONDO:0012804, OMIM 612124.

Submission:

Labcorp Genetics (formerly Invitae), Labcorp
Classification: Likely pathogenic for Hypertrophic cardiomyopathy 12; Dilated cardiomyopathy 1M. Last evaluated: 2025-09-20. Review status: criteria provided, single submitter. Criteria: Invitae Variant Classification Sherloc (09022015). Collection method: clinical testing. Allele origin: germline.
Comment: This sequence change affects a donor splice site in intron 4 of the CSRP3 gene. It is expected to disrupt RNA splicing. Variants that disrupt the donor or acceptor splice site typically lead to a loss of protein function (PMID: 16199547), and loss-of-function variants in CSRP3 are known to be pathogenic (PMID: 12642359, 14567970, 16352453, 20087448, 34558151). This variant is not present in population databases (gnomAD no frequency). Disruption of this splice site has been observed in individual(s) with hypertrophic cardiomyopathy (internal data). Algorithms developed to predict the effect of sequence changes on RNA splicing suggest that this variant may disrupt the consensus splice site. In summary, the currently available evidence indicates that the variant is pathogenic, but additional data are needed to prove that conclusively. Therefore, this variant has been classified as Likely Pathogenic.

Literature cited by the submitters: PubMed 16199547; PubMed 12642359; PubMed 14567970; PubMed 16352453; PubMed 20087448; PubMed 34558151.